The following is an entry in ClinVar:

ClinVar aggregate classification (germline): Conflicting classifications of pathogenicity. Review status: criteria provided, conflicting classifications (1 of 4 stars). 4 submissions from 4 submitters: Uncertain significance (3); Likely benign (1). Last evaluated 2025-05-24.

Conditions:
Inborn genetic diseases. Identifiers: MedGen C0950123, MeSH D030342.
Pyridoxine-dependent epilepsy (EPEO4). Also called: Pyridoxine-Dependent Epilepsy - ALDH7A1; EPILEPSY, EARLY-ONSET, 4, VITAMIN B6-DEPENDENT; Pyridoxine-Dependent Seizures; PYRIDOXINE DEPENDENCY WITH SEIZURES. Identifiers: Orphanet 3006, MedGen C1849508, MONDO:0009945, OMIM 266100. Disease mechanism: loss of function.

Allele frequency attached by ClinVar (database versions not stated): 1000 Genomes Project 30x 0.00031; 1000 Genomes Project 0.00040; gnomAD exomes 0.00001 and 0.00005; gnomAD 0.00019; ESP Exome Variant Server 0.00031; TOPMed 0.00018; ExAC 0.00007.
gnomAD v4.1: 51 of 1,614,044 alleles (0.0032%); highest among the groups gnomAD compares: African/African-American, 0.056%; 1 homozygote.

Submissions (4):

Labcorp Genetics (formerly Invitae), Labcorp
Classification: Likely benign for Pyridoxine-dependent epilepsy. Last evaluated: 2025-05-24. Review status: criteria provided, single submitter. Criteria: Invitae Variant Classification Sherloc (09022015). Collection method: clinical testing. Allele origin: germline.

Baylor Genetics
Classification: Uncertain significance for Pyridoxine-dependent epilepsy. Last evaluated: 2018-07-30. Review status: criteria provided, single submitter. Criteria: ACMG Guidelines, 2015. Collection method: clinical testing. Allele origin: unknown. Affected: yes.
Comment: This variant was determined to be of uncertain significance according to ACMG Guidelines, 2015 [PMID:25741868].

GeneDx
Classification: Uncertain significance. Last evaluated: 2018-03-16. Review status: criteria provided, single submitter. Criteria: GeneDx Variant Classification (06012015). Collection method: clinical testing. Allele origin: germline. Affected: yes.
Comment: The T426A variant has not been published as a pathogenic variant, nor has it been reported as a benign variant to our knowledge. A different missense variant at the same position (T426P) has been reported previously (using alternative nomenclature of T398P) in siblings with pyridoxine-dependent epilepsy who have a second ALDH7A1 variant on the other chromosome (Mills et al., 2010). The T426A variant is observed in 13/24024 (0.05%) alleles from individuals of African background, in large population cohorts (Lek et al., 2016). The T426A variant is a non-conservative amino acid substitution, which is likely to impact secondary protein structure as these residues differ in polarity, charge, size and/or other properties. Missense variants in nearby residues have been reported in the Human Gene Mutation Database in individuals with ALDH7A1-related disorders (Stenson et al., 2014). However, in-silico analyses, including protein predictors and evolutionary conservation, support that this variant does not alter protein structure/function. Therefore, based on the currently available information, it is unclear whether this variant is a pathogenic variant or a rare benign variant.

Ambry Genetics
Classification: Uncertain significance for Inborn genetic diseases. Last evaluated: 2017-10-27. Review status: criteria provided, single submitter. Criteria: Ambry Variant Classification Scheme 2023. Collection method: clinical testing. Allele origin: germline.
Comment: The p.T426A variant (also known as c.1276A>G), located in coding exon 14 of the ALDH7A1 gene, results from an A to G substitution at nucleotide position 1276. The threonine at codon 426 is replaced by alanine, an amino acid with similar properties. In one study, a different alteration located at the same position, p.T426P (which is referred to as p.T398P in the paper), was detected in three siblings with pyridoxine-dependent epilepsy (PDE) who also carried ALDH7A1 p.A129P on their opposite chromosome(s) (in trans) (Mills PB et al. Brain, 2010 Jul;133:2148-59). This amino acid position is well conserved in available vertebrate species. In addition, this alteration is predicted to be tolerated by in silico analysis. Since supporting evidence is limited at this time, the clinical significance of this alteration remains unclear.

Literature cited by the submitters: PubMed 20554659 (cited by Ambry Genetics).

NM_001182.5(ALDH7A1):c.1276A>G (p.Thr426Ala)

Gene: ALDH7A1 (aldehyde dehydrogenase 7 family member A1; minus strand). Cytogenetic location: 5q23.2.
Variant type: single nucleotide variant.
Coding change: c.1276A>G on transcript NM_001182.5 (MANE Select); coding-DNA position 1276, A replaced by G.
Protein change: p.Thr426Ala; replaces threonine 426 with alanine.
Molecular consequence: missense variant.
Genome position (GRCh38, 1-based): chr5:126,552,062, T>C on the plus strand (A>G on the coding strand, the complement: ALDH7A1 is on the minus strand). VCF-style: chr5-126552062-T-C. GRCh37 (hg19) VCF-style: chr5-125887754-T-C.
Other names: c.1192A>G, p.Thr398Ala (NM_001201377.2); c.1084A>G, p.Thr362Ala (NM_001202404.2); short protein forms T426A, T362A, T398A.
Identifiers: ClinVar variation 388119 (VCV000388119.17), dbSNP rs150305320, ClinGen allele CA3389468.